The following is an entry in ClinVar:

NM_000256.3(MYBPC3):c.3645C>T (p.Phe1215=)

Gene: MYBPC3 (myosin binding protein C3; minus strand). Cytogenetic location: 11p11.2.
Variant type: single nucleotide variant.
Coding change: c.3645C>T on transcript NM_000256.3 (MANE Select); coding-DNA position 3645, C replaced by T.
Protein change: p.Phe1215=; no amino-acid change (phenylalanine 1215 retained).
Molecular consequence: synonymous variant.
Genome position (GRCh38, 1-based): chr11:47,332,241, G>A on the plus strand (C>T on the coding strand, the complement: MYBPC3 is on the minus strand). VCF-style: chr11-47332241-G-A. GRCh37 (hg19) VCF-style: chr11-47353792-G-A.
Identifiers: ClinVar variation 3071454 (VCV003071454.1), dbSNP rs2495736649, ClinGen allele CA474428919.

ClinVar aggregate classification (germline): Uncertain significance (1 of 4 stars; one submission).

Conditions:
Hypertrophic cardiomyopathy. Also called: HYPERTROPHIC MYOCARDIOPATHY. Identifiers: Orphanet 217569, MedGen C0007194, MeSH D002312, MONDO:0005045, HP:0001639.

Allele frequency attached by ClinVar (database versions not stated): gnomAD exomes below 0.00001.
gnomAD v4.1: 2 of 1,613,810 alleles (0.00012%); highest among the groups gnomAD compares: African/African-American, 0.0013%; no homozygotes.

Submission:

All of Us Research Program, National Institutes of Health
Classification: Uncertain significance for Hypertrophic cardiomyopathy. Last evaluated: 2023-06-08. Review status: criteria provided, single submitter. Criteria: ACMG Guidelines, 2015. Collection method: clinical testing. Allele origin: germline. Inheritance: Autosomal dominant inheritance. Observed: 1 variant allele, 1 heterozygote.
Comment: This variant is located in the MYBPC3 protein. To our knowledge, functional studies have not been reported for this variant. This variant has not been reported in individuals affected with MYBPC3-related disorders in the literature. This variant has not been identified in the general population by the Genome Aggregation Database (gnomAD). The available evidence is insufficient to determine the role of this variant in disease conclusively. Therefore, this variant is classified as a Variant of Uncertain Significance.

This study involves interpretation of variants in research participants for the purpose of population health screening. Participant phenotype was not available at the time of variant classification. Additional details can be found in publication PMID: 35346344, PMCID: PMC8962531